The following is an entry in ClinVar:

ClinVar aggregate classification (germline): Uncertain significance (1 of 4 stars; one submission).

Conditions:
Bloom syndrome (BLM). Also called: Bloom-Torre-Machacek syndrome. Identifiers: Orphanet 125, MedGen C0005859, MONDO:0008876, OMIM 210900.

Allele frequency attached by ClinVar (database versions not stated): gnomAD exomes below 0.00001.
gnomAD v4.1: 1 of 1,613,974 alleles (0.000062%); highest among the groups gnomAD compares: East Asian, 0.0022%; no homozygotes.

Submission:

Labcorp Genetics (formerly Invitae), Labcorp
Classification: Uncertain significance for Bloom syndrome. Last evaluated: 2024-10-29. Review status: criteria provided, single submitter. Criteria: Invitae Variant Classification Sherloc (09022015). Collection method: clinical testing. Allele origin: germline.
Comment: This sequence change falls in intron 11 of the BLM gene. It does not directly change the encoded amino acid sequence of the BLM protein. This variant is not present in population databases (gnomAD no frequency). This variant has not been reported in the literature in individuals affected with BLM-related conditions. ClinVar contains an entry for this variant (Variation ID: 524815). Algorithms developed to predict the effect of sequence changes on RNA splicing suggest that this variant may disrupt the consensus splice site. In summary, the available evidence is currently insufficient to determine the role of this variant in disease. Therefore, it has been classified as a Variant of Uncertain Significance.

NM_000057.4(BLM):c.2407-5A>G

Gene: BLM (BLM RecQ like helicase; plus strand). Cytogenetic location: 15q26.1.
Variant type: single nucleotide variant.
Coding change: c.2407-5A>G on transcript NM_000057.4 (MANE Select); 5 bases into the intron before coding-DNA position 2407, A replaced by G.
Molecular consequence: intron variant.
Genome position (GRCh38, 1-based): chr15:90,769,433, A>G. VCF-style: chr15-90769433-A-G. GRCh37 (hg19) VCF-style: chr15-91312663-A-G.
Other names: c.2407-5A>G (NM_001287246.2, NM_001287247.2); c.1282-5A>G (NM_001287248.2).
Identifiers: ClinVar variation 524815 (VCV000524815.11), dbSNP rs1555420870, ClinGen allele CA658798434.